The following is an entry in ClinVar:

ClinVar aggregate classification (germline): Uncertain significance (1 of 4 stars; one submission).

Conditions:
Charcot-Marie-Tooth disease type 2E (CMT2E). Also called: CHARCOT-MARIE-TOOTH NEUROPATHY, TYPE 2E; CHARCOT-MARIE-TOOTH DISEASE, AXONAL, TYPE 2E. Identifiers: Orphanet 99939, MedGen C1843225, MONDO:0011894, OMIM 607684.

Submission:

Labcorp Genetics (formerly Invitae), Labcorp
Classification: Uncertain significance for Charcot-Marie-Tooth disease type 2E. Last evaluated: 2020-02-15. Review status: criteria provided, single submitter. Criteria: Invitae Variant Classification Sherloc (09022015). Collection method: clinical testing. Allele origin: germline.
Comment: In summary, the available evidence is currently insufficient to determine the role of this variant in disease. Therefore, it has been classified as a Variant of Uncertain Significance. Algorithms developed to predict the effect of missense changes on protein structure and function are either unavailable or do not agree on the potential impact of this missense change (SIFT: "Deleterious"; PolyPhen-2: "Not Available"; Align-GVGD: "Class C25"). This variant has not been reported in the literature in individuals with NEFL-related conditions. This variant is not present in population databases (ExAC no frequency). This sequence change replaces lysine with threonine at codon 339 of the NEFL protein (p.Lys339Thr). The lysine residue is highly conserved and there is a moderate physicochemical difference between lysine and threonine.

NM_006158.5(NEFL):c.1016A>C (p.Lys339Thr)

Gene: NEFL (neurofilament light chain; minus strand). Cytogenetic location: 8p21.2.
Variant type: single nucleotide variant.
Coding change: c.1016A>C on transcript NM_006158.5 (MANE Select); coding-DNA position 1016, A replaced by C.
Protein change: p.Lys339Thr; replaces lysine 339 with threonine.
Molecular consequence: missense variant.
Genome position (GRCh38, 1-based): chr8:24,955,500, T>G on the plus strand (A>C on the coding strand, the complement: NEFL is on the minus strand). VCF-style: chr8-24955500-T-G. GRCh37 (hg19) VCF-style: chr8-24813014-T-G.
Other names: short protein forms K339T.
Identifiers: ClinVar variation 655039 (VCV000655039.4), dbSNP rs1586127945, ClinGen allele CA370621128.